The following is an entry in ClinVar:

NM_000263.4(NAGLU):c.867del (p.Ile290fs)

Gene: NAGLU (N-acetyl-alpha-glucosaminidase; plus strand). Cytogenetic location: 17q21.2.
Variant type: Deletion.
Coding change: c.867del on transcript NM_000263.4 (MANE Select); coding-DNA position 867, one base deleted (C; older notation c.867delC).
Protein change: p.Ile290fs; shifts the reading frame from isoleucine 290.
Molecular consequence: frameshift variant.
Genome position (GRCh38, 1-based): chr17:42,541,052, C deleted; the last of 4 consecutive C bases (chr17:42,541,049-42,541,052); deleting any one gives the same sequence. VCF-style (leftmost placement, unchanged base first): chr17-42541048-TC-T. GRCh37 (hg19) VCF-style: chr17-40693066-TC-T.
Other names: c.867delC (NM_000263.3); c.867del (NM_000263.3); short protein forms I290fs.
Identifiers: ClinVar variation 557231 (VCV000557231.5), dbSNP rs1555622019, ClinGen allele CA658823955.

ClinVar aggregate classification (germline): Pathogenic. Review status: criteria provided, multiple submitters, no conflicts (2 of 4 stars). 3 submissions from 3 submitters: Pathogenic (2). 1 of the submissions does not count toward it. Last evaluated 2026-01-12.

Conditions:
Mucopolysaccharidosis, MPS-III-B (MPS3B). Also called: MPS III B; MUCOPOLYSACCHARIDOSIS, TYPE IIIB; N-ACETYL-ALPHA-D-GLUCOSAMINIDASE DEFICIENCY; NAGLU DEFICIENCY; SANFILIPPO SYNDROME B; Mucopolysaccharidosis type IIIB (Sanfilippo B). Identifiers: Orphanet 79270, MedGen C0086648, MONDO:0009656, OMIM 252920.
Charcot-Marie-Tooth disease axonal type 2V. Also called: CHARCOT-MARIE-TOOTH NEUROPATHY, TYPE 2V; CHARCOT-MARIE-TOOTH DISEASE, AXONAL, AUTOSOMAL DOMINANT, TYPE 2V. Identifiers: Orphanet 447964, MedGen C5569050, MONDO:0014665, OMIM 616491.

Submissions (3):

Natera, Inc.
Classification: Pathogenic for Mucopolysaccharidosis type IIIB. Last evaluated: 2026-01-12. Review status: criteria provided, single submitter. Criteria: Natera Variant Classification Schema (03/2026). Collection method: clinical testing. Allele origin: germline.
Comment: The c.867del variant in NAGLU is a frameshift variant predicted to shift the reading frame beginning at codon 290 and leads to a stop codon 10 codons downstream. This variant is expected to result in nonsense mediated decay, truncation, or a dysfunctional protein product. This variant is rare in the general population with a frequency below the threshold expected for the associated phenotype(s). This variant has been observed in one or more individuals affected with the associated recessive disease, as either homozygous or compound heterozygous with a second variant (PMID: 23380547). Given the available evidence, this variant is classified as Pathogenic.

Labcorp Genetics (formerly Invitae), Labcorp
Classification: Pathogenic for Charcot-Marie-Tooth disease axonal type 2V; Mucopolysaccharidosis, MPS-III-B. Last evaluated: 2024-09-19. Review status: criteria provided, single submitter. Criteria: Invitae Variant Classification Sherloc (09022015). Collection method: clinical testing. Allele origin: germline.
Comment: This sequence change creates a premature translational stop signal (p.Ile290Serfs*10) in the NAGLU gene. It is expected to result in an absent or disrupted protein product. Loss-of-function variants in NAGLU are known to be pathogenic (PMID: 9832037, 10094189, 16151907). This variant is not present in population databases (gnomAD no frequency). This premature translational stop signal has been observed in individual(s) with clinical features of NAGLU-related conditions (PMID: 23380547, 34255403). This variant is also known as c.864delC. ClinVar contains an entry for this variant (Variation ID: 557231). Algorithms developed to predict the effect of sequence changes on RNA splicing suggest that this variant may disrupt the consensus splice site. For these reasons, this variant has been classified as Pathogenic.

Counsyl
Classification: Likely pathogenic for Mucopolysaccharidosis, MPS-III-B. Last evaluated: 2018-03-13. Review status: no assertion criteria provided. Collection method: clinical testing. Allele origin: unknown. Not counted in ClinVar's aggregate classification.

Literature cited by the submitters: PubMed 23380547 (cited by 3 submitters); PubMed 9832037 (cited by Labcorp Genetics (formerly Invitae), Labcorp); PubMed 10094189 (cited by Labcorp Genetics (formerly Invitae), Labcorp); PubMed 16151907 (cited by Labcorp Genetics (formerly Invitae), Labcorp); PubMed 34255403 (cited by Labcorp Genetics (formerly Invitae), Labcorp).